The following is an entry in ClinVar:

ClinVar aggregate classification (germline): not provided (0 of 4 stars; one submission).

Conditions:
Charcot-Marie-Tooth disease type 2D (CMT2D). Also called: CHARCOT-MARIE-TOOTH DISEASE, AXONAL, TYPE 2D; CHARCOT-MARIE-TOOTH DISEASE, NEURONAL, TYPE 2D; Charcot-Marie-Tooth Neuropathy Type 2D; GARS1 Adolescent- or Early Adult-Onset Hereditary Motor/Sensory Neuropathy (GARS1-HMSN). Identifiers: Orphanet 99938, MedGen C1832274, MONDO:0011091, OMIM 601472.

Submission:

GeneReviews
No classification provided. Condition: Charcot-Marie-Tooth disease type 2D. Review status: no classification provided. Collection method: literature only. Allele origin: germline.
Comment: GARS1-HMSN (early-onset axonal CMT) [Liao et al 2015]

Literature cited by the submitters: PubMed 26244500; PubMed 20301420.

NM_002047.4(GARS1):c.598G>T (p.Asp200Tyr)

Gene: GARS1 (glycyl-tRNA synthetase 1; plus strand). Cytogenetic location: 7p14.3.
Variant type: single nucleotide variant.
Coding change: c.598G>T on transcript NM_002047.4 (MANE Select); coding-DNA position 598, G replaced by T.
Protein change: p.Asp200Tyr; replaces aspartic acid 200 with tyrosine.
Molecular consequence: missense variant.
Genome position (GRCh38, 1-based): chr7:30,603,062, G>T. VCF-style: chr7-30603062-G-T. GRCh37 (hg19) VCF-style: chr7-30642678-G-T.
Other names: c.436G>T, p.Asp146Tyr (NM_001316772.1); short protein forms D146Y, D200Y.
Identifiers: ClinVar variation 1184267 (VCV001184267.4), dbSNP rs1554337369, ClinGen allele CA367139709.
Genomic context (GRCh38, chr7:30,603,062, plus strand): 5'-ATGACAAATTGGGTTGGCATTTGTTAATTTAGGACCTCTGGCCATGTAGACAAATTTGCT[G>T]ACTTCATGGTGAAAGACGTAAAAAATGGAGAATGTTTTCGTGCTGACCATCTATTAAAAG-3'
Protein context (NP_002038.2, residues 190-210): KTSGHVDKFA[Asp200Tyr]FMVKDVKNGE